The following is an entry in ClinVar:

NM_005548.3(KARS1):c.795+5G>A

Gene: KARS1 (lysyl-tRNA synthetase 1; minus strand). Cytogenetic location: 16q23.1.
Variant type: single nucleotide variant.
Coding change: c.795+5G>A on transcript NM_005548.3 (MANE Select); 5 bases into the intron after coding-DNA position 795, G replaced by A.
Molecular consequence: intron variant.
Genome position (GRCh38, 1-based): chr16:75,635,675, C>T on the plus strand (G>A on the coding strand, the complement: KARS1 is on the minus strand). VCF-style: chr16-75635675-C-T. GRCh37 (hg19) VCF-style: chr16-75669573-C-T.
Other names: c.879+5G>A (NM_001130089.2); c.327+5G>A (NM_001378148.1).
Identifiers: ClinVar variation 3112703 (VCV003112703.1), dbSNP rs1443454477, ClinGen allele CA396813198.
Genomic context (GRCh38, chr16:75,635,675, plus strand): 5'-CAAGGGAGAGGAGGAGGCAAGCATTGCAAGGCAGCTCATCACGTCAGGCAAGGAACTCTC[C>T]TTACCTCTAGGAATCCCAGCTCATCTAAGAAACTTCTTATATATGTGATGATCTTAGAGC-3'

ClinVar aggregate classification (germline): Uncertain significance (1 of 4 stars; one submission).

gnomAD v4.1: 2 of 1,613,756 alleles (0.00012%); highest among the groups gnomAD compares: East Asian, 0.0045%; no homozygotes.

Submission:

Ambry Genetics
Classification: Uncertain significance. Last evaluated: 2021-09-19. Review status: criteria provided, single submitter. Criteria: Ambry Variant Classification Scheme 2023. Collection method: clinical testing. Allele origin: germline.
Comment: The c.879+5G>A intronic alteration consists of a G to A substitution nucleotides after coding exon 6 in the KARS gene. Based on insufficient or conflicting evidence, the clinical significance of this alteration remains unclear.